The following is an entry in ClinVar:

ClinVar aggregate classification (germline): Uncertain significance (1 of 4 stars; one submission).

Allele frequency attached by ClinVar (database versions not stated): ExAC 0.00001; gnomAD exomes 0.00001.
gnomAD v4.1: 15 of 1,613,940 alleles (0.00093%); highest among the groups gnomAD compares: Middle Eastern, 0.033%; no homozygotes.

Submission:

Labcorp Genetics (formerly Invitae), Labcorp
Classification: Uncertain significance. Last evaluated: 2022-07-19. Review status: criteria provided, single submitter. Criteria: Invitae Variant Classification Sherloc (09022015). Collection method: clinical testing. Allele origin: germline.
Comment: This sequence change replaces arginine, which is basic and polar, with histidine, which is basic and polar, at codon 2966 of the PCLO protein (p.Arg2966His). This variant is present in population databases (rs765514605, gnomAD 0.003%). This variant has not been reported in the literature in individuals affected with PCLO-related conditions. Algorithms developed to predict the effect of missense changes on protein structure and function are either unavailable or do not agree on the potential impact of this missense change (SIFT: "Deleterious"; PolyPhen-2: "Not Available"; Align-GVGD: "Class C0"). In summary, the available evidence is currently insufficient to determine the role of this variant in disease. Therefore, it has been classified as a Variant of Uncertain Significance.

NM_033026.6(PCLO):c.8897G>A (p.Arg2966His)

Gene: PCLO (piccolo presynaptic cytomatrix protein; minus strand). Cytogenetic location: 7q21.11.
Variant type: single nucleotide variant.
Coding change: c.8897G>A on transcript NM_033026.6 (MANE Select); coding-DNA position 8897, G replaced by A.
Protein change: p.Arg2966His; replaces arginine 2966 with histidine.
Molecular consequence: missense variant.
Genome position (GRCh38, 1-based): chr7:82,952,056, C>T on the plus strand (G>A on the coding strand, the complement: PCLO is on the minus strand). VCF-style: chr7-82952056-C-T. GRCh37 (hg19) VCF-style: chr7-82581372-C-T.
Other names: c.8897G>A, p.Arg2966His (NM_014510.3); short protein forms R2966H.
Identifiers: ClinVar variation 1918177 (VCV001918177.2), dbSNP rs765514605, ClinGen allele CA4320038.